The following is an entry in ClinVar:

ClinVar aggregate classification (germline): Uncertain significance (1 of 4 stars; one submission).

Allele frequency attached by ClinVar (database versions not stated): TOPMed 0.00002.

Submission:

Labcorp Genetics (formerly Invitae), Labcorp
Classification: Uncertain significance. Last evaluated: 2024-01-08. Review status: criteria provided, single submitter. Criteria: Invitae Variant Classification Sherloc (09022015). Collection method: clinical testing. Allele origin: germline.
Comment: This sequence change replaces serine, which is neutral and polar, with glycine, which is neutral and non-polar, at codon 941 of the KAT6A protein (p.Ser941Gly). This variant is not present in population databases (gnomAD no frequency). This variant has not been reported in the literature in individuals affected with KAT6A-related conditions. Algorithms developed to predict the effect of missense changes on protein structure and function output the following: SIFT: "Not Available"; PolyPhen-2: "Benign"; Align-GVGD: "Not Available". The glycine amino acid residue is found in multiple mammalian species, which suggests that this missense change does not adversely affect protein function. In summary, the available evidence is currently insufficient to determine the role of this variant in disease. Therefore, it has been classified as a Variant of Uncertain Significance.

NM_006766.5(KAT6A):c.2821A>G (p.Ser941Gly)

Gene: KAT6A (lysine acetyltransferase 6A; minus strand). Cytogenetic location: 8p11.21.
Variant type: single nucleotide variant.
Coding change: c.2821A>G on transcript NM_006766.5 (MANE Select); coding-DNA position 2821, A replaced by G.
Protein change: p.Ser941Gly; replaces serine 941 with glycine.
Molecular consequence: missense variant.
Genome position (GRCh38, 1-based): chr8:41,941,060, T>C on the plus strand (A>G on the coding strand, the complement: KAT6A is on the minus strand). VCF-style: chr8-41941060-T-C. GRCh37 (hg19) VCF-style: chr8-41798578-T-C.
Other names: short protein forms S941G.
Identifiers: ClinVar variation 2968559 (VCV002968559.3), dbSNP rs950413572, ClinGen allele CA175944509.